The following is an entry in ClinVar:

ClinVar aggregate classification (germline): Conflicting classifications of pathogenicity. Review status: criteria provided, conflicting classifications (1 of 4 stars). 2 submissions from 2 submitters: Uncertain significance (1); Likely benign (1). Last evaluated 2025-01-22.

Conditions:
Schimke immuno-osseous dysplasia (SIOD). Also called: Schimke Immunoosseous Dysplasia. Identifiers: Orphanet 1830, MedGen C0877024, MONDO:0009458, OMIM 242900.
SMARCAL1-related disorder. Also called: SMARCAL1-related condition.

Allele frequency attached by ClinVar (database versions not stated): gnomAD exomes 0.00001; ExAC 0.00002; ESP Exome Variant Server 0.00008.
gnomAD v4.1: 15 of 1,613,470 alleles (0.00093%); highest among the groups gnomAD compares: Non-Finnish European, 0.0012%; no homozygotes.

Submissions (2):

PreventionGenetics, part of Exact Sciences
Classification: Likely benign for SMARCAL1-related condition. Last evaluated: 2025-01-22. Review status: criteria provided, single submitter. Criteria: ACMG Guidelines, 2015. Collection method: clinical testing. Allele origin: germline.
Comment: This variant is classified as likely benign based on ACMG/AMP sequence variant interpretation guidelines (Richards et al. 2015 PMID: 25741868, with internal and published modifications).

Labcorp Genetics (formerly Invitae), Labcorp
Classification: Uncertain significance for Schimke immuno-osseous dysplasia. Last evaluated: 2022-08-16. Review status: criteria provided, single submitter. Criteria: Invitae Variant Classification Sherloc (09022015). Collection method: clinical testing. Allele origin: germline.
Comment: This sequence change falls in intron 7 of the SMARCAL1 gene. It does not directly change the encoded amino acid sequence of the SMARCAL1 protein. It affects a nucleotide within the consensus splice site. This variant is present in population databases (rs376469384, gnomAD 0.003%). This variant has not been reported in the literature in individuals affected with SMARCAL1-related conditions. ClinVar contains an entry for this variant (Variation ID: 1524296). Variants that disrupt the consensus splice site are a relatively common cause of aberrant splicing (PMID: 17576681, 9536098). Algorithms developed to predict the effect of sequence changes on RNA splicing suggest that this variant is not likely to affect RNA splicing. In summary, the available evidence is currently insufficient to determine the role of this variant in disease. Therefore, it has been classified as a Variant of Uncertain Significance.

Literature cited by the submitters: PubMed 17576681 (cited by Labcorp Genetics (formerly Invitae), Labcorp); PubMed 9536098 (cited by Labcorp Genetics (formerly Invitae), Labcorp).

NM_014140.4(SMARCAL1):c.1334+4G>A

Gene: SMARCAL1 (SNF2 related chromatin remodeling annealing helicase 1; plus strand). Cytogenetic location: 2q35.
Variant type: single nucleotide variant.
Coding change: c.1334+4G>A on transcript NM_014140.4 (MANE Select); 4 bases into the intron after coding-DNA position 1334, G replaced by A.
Molecular consequence: intron variant.
Genome position (GRCh38, 1-based): chr2:216,428,786, G>A. VCF-style: chr2-216428786-G-A. GRCh37 (hg19) VCF-style: chr2-217293509-G-A.
Other names: c.1334+4G>A (NM_001127207.2, NM_014140.3).
Identifiers: ClinVar variation 1524296 (VCV001524296.4), dbSNP rs376469384, ClinGen allele CA2097834.